The following is an entry in ClinVar:

NM_000288.4(PEX7):c.64G>C (p.Ala22Pro)

Gene: PEX7 (peroxisomal biogenesis factor 7; plus strand). Cytogenetic location: 6q23.3.
Variant type: single nucleotide variant.
Coding change: c.64G>C on transcript NM_000288.4 (MANE Select); coding-DNA position 64, G replaced by C.
Protein change: p.Ala22Pro; replaces alanine 22 with proline.
Molecular consequence: missense variant.
Genome position (GRCh38, 1-based): chr6:136,822,729, G>C. VCF-style: chr6-136822729-G-C. GRCh37 (hg19) VCF-style: chr6-137143867-G-C.
Other names: short protein forms A22P.
Identifiers: ClinVar variation 4685362 (VCV004685362.1).

ClinVar aggregate classification (germline): Uncertain significance (1 of 4 stars; one submission).

Submission:

GeneDx
Classification: Uncertain significance. Last evaluated: 2025-07-08. Review status: criteria provided, single submitter. Criteria: GeneDx Variant Classification Process June 2021. Collection method: clinical testing. Allele origin: germline. Affected: yes.
Comment: Has not been previously published as pathogenic or benign to our knowledge; Not observed at significant frequency in large population cohorts (gnomAD); In silico analysis suggests that this missense variant does not alter protein structure/function